The following is an entry in ClinVar:

ClinVar aggregate classification (germline): Uncertain significance. Review status: criteria provided, multiple submitters, no conflicts (2 of 4 stars). 4 submissions from 4 submitters: Uncertain significance (4). Last evaluated 2024-10-16.

Conditions:
Leukoencephalopathy with brain stem and spinal cord involvement-high lactate syndrome (LBSL). Also called: MITOCHONDRIAL ASPARTYL-tRNA SYNTHETASE DEFICIENCY; Leukoencephalopathy with Brainstem and Spinal Cord Involvement and Lactate Elevation; LEUKOENCEPHALOPATHY WITH BRAINSTEM AND SPINAL CORD INVOLVEMENT AND LACTATE ELEVATION, MILD. Identifiers: Orphanet 137898, MedGen C1970180, MONDO:0012622, OMIM 611105.

Allele frequency attached by ClinVar (database versions not stated): gnomAD 0.00001; ExAC 0.00002.
gnomAD v4.1: 34 of 1,614,092 alleles (0.0021%); highest among the groups gnomAD compares: Non-Finnish European, 0.0027%; no homozygotes.

Submissions (4):

Blueprint Genetics
Classification: Uncertain significance. Last evaluated: 2024-10-16. Review status: criteria provided, single submitter. Criteria: ACMG Guidelines, 2015. Collection method: clinical testing. Allele origin: germline.

Labcorp Genetics (formerly Invitae), Labcorp
Classification: Uncertain significance. Last evaluated: 2024-01-17. Review status: criteria provided, single submitter. Criteria: Invitae Variant Classification Sherloc (09022015). Collection method: clinical testing. Allele origin: germline.
Comment: This sequence change replaces cysteine, which is neutral and slightly polar, with serine, which is neutral and polar, at codon 590 of the DARS2 protein (p.Cys590Ser). This variant is present in population databases (rs761821824, gnomAD 0.004%). This variant has not been reported in the literature in individuals affected with DARS2-related conditions. ClinVar contains an entry for this variant (Variation ID: 2047022). Advanced modeling of protein sequence and biophysical properties (such as structural, functional, and spatial information, amino acid conservation, physicochemical variation, residue mobility, and thermodynamic stability) performed at Invitae indicates that this missense variant is expected to disrupt DARS2 protein function with a positive predictive value of 80%. In summary, the available evidence is currently insufficient to determine the role of this variant in disease. Therefore, it has been classified as a Variant of Uncertain Significance.

Genome-Nilou Lab
Classification: Uncertain significance for Leukoencephalopathy with brain stem and spinal cord involvement-high lactate syndrome. Last evaluated: 2023-04-11. Review status: criteria provided, single submitter. Criteria: ACMG Guidelines, 2015. Collection method: clinical testing. Allele origin: germline. Affected: no.

GeneDx
Classification: Uncertain significance. Last evaluated: 2022-08-16. Review status: criteria provided, single submitter. Criteria: GeneDx Variant Classification Process June 2021. Collection method: clinical testing. Allele origin: germline. Affected: yes.
Comment: Not observed at significant frequency in large population cohorts (gnomAD); In silico analysis supports that this missense variant does not alter protein structure/function; Has not been previously published as pathogenic or benign to our knowledge

NM_018122.5(DARS2):c.1768T>A (p.Cys590Ser)

Gene: DARS2 (aspartyl-tRNA synthetase 2, mitochondrial; plus strand). Cytogenetic location: 1q25.1.
Variant type: single nucleotide variant.
Coding change: c.1768T>A on transcript NM_018122.5 (MANE Select); coding-DNA position 1768, T replaced by A.
Protein change: p.Cys590Ser; replaces cysteine 590 with serine.
Molecular consequence: missense variant.
Genome position (GRCh38, 1-based): chr1:173,857,535, T>A. VCF-style: chr1-173857535-T-A. GRCh37 (hg19) VCF-style: chr1-173826673-T-A.
Other names: c.1615T>A, p.Cys539Ser (NM_001365212.1); c.1768T>A (NM_018122.4); short protein forms C539S, C590S.
Identifiers: ClinVar variation 2047022 (VCV002047022.7), dbSNP rs761821824, ClinGen allele CA1250522.